The following is an entry in ClinVar:

NM_058216.3(RAD51C):c.267A>G (p.Glu89=)

Gene: RAD51C (RAD51 paralog C; plus strand). Cytogenetic location: 17q22.
Variant type: single nucleotide variant.
Coding change: c.267A>G on transcript NM_058216.3 (MANE Select); coding-DNA position 267, A replaced by G.
Protein change: p.Glu89=; no amino-acid change (glutamic acid 89 retained).
Molecular consequence: synonymous variant. On other transcripts: non-coding transcript variant (2).
Genome position (GRCh38, 1-based): chr17:58,695,052, A>G. VCF-style: chr17-58695052-A-G. GRCh37 (hg19) VCF-style: chr17-56772413-A-G.
Other names: c.267A>G, p.Glu89= (NM_002876.4).
Identifiers: ClinVar variation 3903831 (VCV003903831.1).

ClinVar aggregate classification (germline): Benign (1 of 4 stars; one submission).

Conditions:
Breast-ovarian cancer, familial, susceptibility to, 3. Also called: RAD51C-Related Breast/Ovarian Cancer. Identifiers: Orphanet 145, MedGen C3150659, MONDO:0013253, OMIM 613399.

gnomAD v4.1: 1 of 1,614,162 alleles (0.000062%); highest among the groups gnomAD compares: South Asian, 0.0011%; no homozygotes.

Submission:

Myriad Genetics, Inc.
Classification: Benign for Breast-ovarian cancer, familial, susceptibility to, 3. Last evaluated: 2025-02-14. Review status: criteria provided, single submitter. Criteria: Myriad Autosomal Dominant, Autosomal Recessive and X-Linked Classification Criteria (2023). Collection method: clinical testing. Allele origin: unknown.
Comment: This variant is considered benign. This variant is a silent/synonymous amino acid change and it is not expected to impact splicing.